The following is an entry in ClinVar:

ClinVar aggregate classification (germline): Pathogenic (1 of 4 stars; one submission).

Conditions:
Neurofibromatosis, type 1 (NF1). Also called: NEUROFIBROMATOSIS, TYPE I, SOMATIC; VON RECKLINGHAUSEN DISEASE; Peripheral type neurofibromatosis; Neurofibromatosis, type I. Identifiers: Orphanet 636, MedGen C0027831, MONDO:0018975, OMIM 162200. Disease mechanism: loss of function.

Submission:

Labcorp Genetics (formerly Invitae), Labcorp
Classification: Pathogenic for Neurofibromatosis, type 1. Last evaluated: 2025-04-13. Review status: criteria provided, single submitter. Criteria: Invitae Variant Classification Sherloc (09022015). Collection method: clinical testing. Allele origin: germline.
Comment: This sequence change creates a premature translational stop signal (p.Lys1965Valfs*20) in the NF1 gene. It is expected to result in an absent or disrupted protein product. Loss-of-function variants in NF1 are known to be pathogenic (PMID: 10712197, 23913538). This variant is not present in population databases (gnomAD no frequency). This variant has not been reported in the literature in individuals affected with NF1-related conditions. For these reasons, this variant has been classified as Pathogenic.

Literature cited by the submitters: PubMed 10712197; PubMed 23913538.

NM_001042492.3(NF1):c.5956_5963del (p.Lys1986fs)

Gene: NF1 (neurofibromin 1; plus strand). Cytogenetic location: 17q11.2.
Variant type: Deletion.
Coding change: c.5956_5963del on transcript NM_001042492.3 (MANE Select); coding-DNA positions 5956 to 5963, 8 bases deleted (AAACAGAT; older notation c.5956_5963delAAACAGAT).
Protein change: p.Lys1986fs; shifts the reading frame from lysine 1986.
Molecular consequence: frameshift variant.
Genome position (GRCh38, 1-based): chr17:31,334,981-31,334,988, AAACAGAT deleted. VCF-style (leftmost placement, unchanged base first): chr17-31334980-AAAACAGAT-A. GRCh37 (hg19) VCF-style: chr17-29661998-AAAACAGAT-A.
Other names: c.5893_5900del, p.Lys1965fs (NM_000267.4); short protein forms K1965fs, K1986fs.
Identifiers: ClinVar variation 4717382 (VCV004717382.1).